The following is an entry in ClinVar:

NM_000341.4(SLC3A1):c.1735T>G (p.Tyr579Asp)

Genes: PREPL (prolyl endopeptidase like; minus strand), SLC3A1 (solute carrier family 3 member 1; plus strand). Cytogenetic location: 2p21.
Variant type: single nucleotide variant.
Coding change: c.1735T>G on transcript NM_000341.4 (MANE Select); coding-DNA position 1735, T replaced by G.
Protein change: p.Tyr579Asp; replaces tyrosine 579 with aspartic acid.
Molecular consequence: missense variant. On other transcripts: 3 prime UTR variant (10).
Genome position (GRCh38, 1-based): chr2:44,320,316, T>G. VCF-style: chr2-44320316-T-G. GRCh37 (hg19) VCF-style: chr2-44547455-T-G.
Other names: p.Tyr579Asp; c.*1040A>C (NM_001042385.2, NM_001042386.2, NM_001171603.1 and 7 more transcripts); short protein forms Y579D.
Identifiers: ClinVar variation 3380807 (VCV003380807.2).
Genomic context (GRCh38, chr2:44,320,316, plus strand): 5'-CATGCCAATGAGCTACTCCTCAACAGGGGCTGGTTTTGCCATTTGAGGAATGACAGCCAC[T>G]ATGTTGTGTACACAAGAGAGCTGGATGGCATCGACAGAATCTTTATCGTGGTTCTGAATT-3'
Protein context (NP_000332.2, residues 569-589): WFCHLRNDSH[Tyr579Asp]VVYTRELDGI

ClinVar aggregate classification (germline): Uncertain significance. Review status: criteria provided, multiple submitters, no conflicts (2 of 4 stars). 2 submissions from 2 submitters: Uncertain significance (2). Last evaluated 2026-07-14.

Conditions:
Cystinuria (CSNU). Also called: CYSTINURIA, TYPE I; CYSTINURIA, TYPE II; CYSTINURIA, TYPE III; Cystinuria, non-type I. Identifiers: Orphanet 214, MedGen C0010691, MONDO:0009067, OMIM 220100, HP:0003131.

gnomAD v4.1: 87 of 1,614,030 alleles (0.0054%); highest among the groups gnomAD compares: Non-Finnish European, 0.007%; no homozygotes.

Submissions (2):

Institute of Human Genetics, University of Leipzig Medical Center
Classification: Uncertain significance for Cystinuria. Last evaluated: 2026-07-14. Review status: criteria provided, single submitter. Criteria: ACMG Guidelines, 2015. Collection method: clinical testing. Allele origin: unknown. Inheritance: Autosomal recessive inheritance. Affected: yes.
Comment: Criteria applied: PM2,PM3,PP4

Mayo Clinic Laboratories, Mayo Clinic
Classification: Uncertain significance. Last evaluated: 2023-08-03. Review status: criteria provided, single submitter. Criteria: ACMG Guidelines, 2015. Collection method: clinical testing. Allele origin: germline. Observed: 1 variant allele.
Comment: PP4, PM2_moderate, PM3

Literature cited by the submitters: PubMed 28812535 (cited by Mayo Clinic Laboratories, Mayo Clinic).